The following is an entry in ClinVar:

NM_000210.4(ITGA6):c.428C>T (p.Thr143Met)

Genes: ITGA6 (integrin subunit alpha 6; plus strand), PDK1-AS1 (PDK1 and ITGA6 antisense RNA 1; minus strand). Cytogenetic location: 2q31.1.
Variant type: single nucleotide variant.
Coding change: c.428C>T on transcript NM_000210.4 (MANE Select); coding-DNA position 428, C replaced by T.
Protein change: p.Thr143Met; replaces threonine 143 with methionine.
Molecular consequence: missense variant.
Genome position (GRCh38, 1-based): chr2:172,469,165, C>T. VCF-style: chr2-172469165-C-T. GRCh37 (hg19) VCF-style: chr2-173333893-C-T.
Other names: c.428C>T, p.Thr143Met (NM_001079818.3, NM_001365529.2, NM_001365530.2 and 1 more transcripts); c.86C>T, p.Thr29Met (NM_001316306.2); c.428C>T (NM_000210.2); short protein forms T29M, T143M.
Identifiers: ClinVar variation 1940413 (VCV001940413.5), dbSNP rs199977185, ClinGen allele CA1967833.

ClinVar aggregate classification (germline): Uncertain significance. Review status: criteria provided, multiple submitters, no conflicts (2 of 4 stars). 2 submissions from 2 submitters: Uncertain significance (2). Last evaluated 2025-02-01.

Conditions:
Inborn genetic diseases. Identifiers: MedGen C0950123, MeSH D030342.

Allele frequency attached by ClinVar (database versions not stated): ExAC 0.00001; gnomAD 0.00004; TOPMed 0.00006.
gnomAD v4.1: 28 of 1,613,950 alleles (0.0017%); highest among the groups gnomAD compares: Admixed American, 0.0033%; no homozygotes.

Submissions (2):

Ambry Genetics
Classification: Uncertain significance for Inborn genetic diseases. Last evaluated: 2025-02-01. Review status: criteria provided, single submitter. Criteria: Ambry Variant Classification Scheme 2023. Collection method: clinical testing. Allele origin: germline.

Labcorp Genetics (formerly Invitae), Labcorp
Classification: Uncertain significance. Last evaluated: 2022-09-06. Review status: criteria provided, single submitter. Criteria: Invitae Variant Classification Sherloc (09022015). Collection method: clinical testing. Allele origin: germline.
Comment: This sequence change replaces threonine, which is neutral and polar, with methionine, which is neutral and non-polar, at codon 143 of the ITGA6 protein (p.Thr143Met). This variant is present in population databases (rs199977185, gnomAD 0.006%). This variant has not been reported in the literature in individuals affected with ITGA6-related conditions. Algorithms developed to predict the effect of missense changes on protein structure and function are either unavailable or do not agree on the potential impact of this missense change (SIFT: "Tolerated"; PolyPhen-2: "Probably Damaging"; Align-GVGD: "Class C0"). In summary, the available evidence is currently insufficient to determine the role of this variant in disease. Therefore, it has been classified as a Variant of Uncertain Significance.